The following is an entry in ClinVar:

ClinVar aggregate classification (germline): Uncertain significance (1 of 4 stars; one submission).

Conditions:
Hereditary breast ovarian cancer syndrome. Also called: Hereditary breast and ovarian cancer syndrome (HBOC); Breast and ovarian cancer; BRCA1- and BRCA2-Associated Hereditary Breast and Ovarian Cancer; Hereditary breast and ovarian cancer syndrome; Hereditary breast and ovarian cancer; Hereditary breast and/or ovarian cancer syndrome. Identifiers: Orphanet 145, MedGen C0677776, MeSH D061325, MONDO:0003582. Disease mechanism: loss of function.

Submission:

Labcorp Genetics (formerly Invitae), Labcorp
Classification: Uncertain significance for Hereditary breast ovarian cancer syndrome. Last evaluated: 2023-02-16. Review status: criteria provided, single submitter. Criteria: Invitae Variant Classification Sherloc (09022015). Collection method: clinical testing. Allele origin: germline.
Comment: This sequence change replaces serine, which is neutral and polar, with cysteine, which is neutral and slightly polar, at codon 1682 of the BRCA2 protein (p.Ser1682Cys). This variant is not present in population databases (gnomAD no frequency). This variant has not been reported in the literature in individuals affected with BRCA2-related conditions. Advanced modeling of protein sequence and biophysical properties (such as structural, functional, and spatial information, amino acid conservation, physicochemical variation, residue mobility, and thermodynamic stability) performed at Invitae indicates that this missense variant is not expected to disrupt BRCA2 protein function. In summary, the available evidence is currently insufficient to determine the role of this variant in disease. Therefore, it has been classified as a Variant of Uncertain Significance.

NM_000059.4(BRCA2):c.5044A>T (p.Ser1682Cys)

Gene: BRCA2 (BRCA2 DNA repair associated; plus strand). Cytogenetic location: 13q13.1.
Variant type: single nucleotide variant.
Coding change: c.5044A>T on transcript NM_000059.4 (MANE Select); coding-DNA position 5044, A replaced by T.
Protein change: p.Ser1682Cys; replaces serine 1682 with cysteine.
Molecular consequence: missense variant. On other transcripts: non-coding transcript variant (1), intron variant (2).
Genome position (GRCh38, 1-based): chr13:32,339,399, A>T. VCF-style: chr13-32339399-A-T. GRCh37 (hg19) VCF-style: chr13-32913536-A-T.
Other names: c.5044A>T, p.Ser1682Cys (NM_001406719.1, NM_001406720.1); c.1910-5159A>T (NM_001406721.1); c.425-5159A>T (NM_001406722.1); short protein forms S1682C.
Identifiers: ClinVar variation 2838056 (VCV002838056.3), dbSNP rs2137513294, ClinGen allele CA387784008.